The following is an entry in ClinVar:

NM_004517.4(ILK):c.591G>A (p.Thr197=)

Genes: ILK (integrin linked kinase; plus strand), TAF10 (TATA-box binding protein associated factor 10; minus strand). Cytogenetic location: 11p15.4.
Variant type: single nucleotide variant.
Coding change: c.591G>A on transcript NM_004517.4 (MANE Select); coding-DNA position 591, G replaced by A.
Protein change: p.Thr197=; no amino-acid change (threonine 197 retained).
Molecular consequence: synonymous variant. On other transcripts: 3 prime UTR variant (1), intron variant (1).
Genome position (GRCh38, 1-based): chr11:6,609,129, G>A. VCF-style: chr11-6609129-G-A. GRCh37 (hg19) VCF-style: chr11-6630360-G-A.
Other names: c.591G>A, p.Thr197= (NM_001014794.3, NM_001014795.3); c.189G>A, p.Thr63= (NM_001278442.2); c.*1793C>T (NM_006284.4); c.435+162G>A (NM_001278441.2).
Identifiers: ClinVar variation 1750498 (VCV001750498.5), dbSNP rs1253622274, ClinGen allele CA472921211.

ClinVar aggregate classification (germline): Conflicting classifications of pathogenicity. Review status: criteria provided, conflicting classifications (1 of 4 stars). 2 submissions from 2 submitters: Uncertain significance (1); Likely benign (1). Last evaluated 2023-08-19.

Conditions:
Primary familial hypertrophic cardiomyopathy (HCM). Identifiers: Orphanet 99739, MedGen C0949658, MeSH D024741, MONDO:0024573. Inheritance: Various modes of inheritance.

Allele frequency attached by ClinVar (database versions not stated): gnomAD 0.00001; gnomAD exomes 0.00001; TOPMed 0.00001.

Submissions (2):

Labcorp Genetics (formerly Invitae), Labcorp
Classification: Uncertain significance for Primary familial hypertrophic cardiomyopathy. Last evaluated: 2023-08-19. Review status: criteria provided, single submitter. Criteria: Invitae Variant Classification Sherloc (09022015). Collection method: clinical testing. Allele origin: germline.
Comment: This sequence change affects codon 197 of the ILK mRNA. It is a 'silent' change, meaning that it does not change the encoded amino acid sequence of the ILK protein. This variant is present in population databases (no rsID available, gnomAD 0.006%). This variant has not been reported in the literature in individuals affected with ILK-related conditions. ClinVar contains an entry for this variant (Variation ID: 1750498). Algorithms developed to predict the effect of sequence changes on RNA splicing suggest that this variant may disrupt the consensus splice site. In summary, the available evidence is currently insufficient to determine the role of this variant in disease. Therefore, it has been classified as a Variant of Uncertain Significance.

Ambry Genetics
Classification: Likely benign. Last evaluated: 2021-12-13. Review status: criteria provided, single submitter. Criteria: Ambry Variant Classification Scheme 2023. Collection method: clinical testing. Allele origin: germline.